The following is an entry in ClinVar:

ClinVar aggregate classification (germline): Uncertain significance (1 of 4 stars; one submission).

Allele frequency attached by ClinVar (database versions not stated): TOPMed below 0.00001.

Submission:

CeGaT Center for Human Genetics Tuebingen
Classification: Uncertain significance. Last evaluated: 2024-02-01. Review status: criteria provided, single submitter. Criteria: CeGaT Center For Human Genetics Tuebingen Variant Classification Criteria Version 2. Collection method: clinical testing. Allele origin: germline. Affected: yes. Observed: 1 variant allele.
Comment: BAG3: PM2, PVS1:Moderate

NM_004281.4(BAG3):c.1564C>T (p.Gln522Ter)

Gene: BAG3 (BAG cochaperone 3; plus strand). Cytogenetic location: 10q26.11.
Variant type: single nucleotide variant.
Coding change: c.1564C>T on transcript NM_004281.4 (MANE Select); coding-DNA position 1564, C replaced by T.
Protein change: p.Gln522Ter; replaces glutamine 522 with a stop codon.
Molecular consequence: nonsense.
Genome position (GRCh38, 1-based): chr10:119,677,118, C>T. VCF-style: chr10-119677118-C-T. GRCh37 (hg19) VCF-style: chr10-121436630-C-T.
Other names: short protein forms Q522*.
Identifiers: ClinVar variation 3025751 (VCV003025751.22), dbSNP rs1386983591, ClinGen allele CA378297596.